The following is an entry in ClinVar:

NM_001103.4(ACTN2):c.285C>T (p.His95=)

Gene: ACTN2 (actinin alpha 2; plus strand). Cytogenetic location: 1q43.
Variant type: single nucleotide variant.
Coding change: c.285C>T on transcript NM_001103.4 (MANE Select); coding-DNA position 285, C replaced by T.
Protein change: p.His95=; no amino-acid change (histidine 95 retained).
Molecular consequence: synonymous variant. On other transcripts: non-coding transcript variant (1).
Genome position (GRCh38, 1-based): chr1:236,718,937, C>T. VCF-style: chr1-236718937-C-T. GRCh37 (hg19) VCF-style: chr1-236882237-C-T.
Other names: c.285C>T, p.His95= (NM_001278343.2); c.-537C>T (NM_001278344.2); c.-662C>T (NM_001412150.1); c.285C>T (NM_001103.3).
Identifiers: ClinVar variation 1796923 (VCV001796923.9), dbSNP rs1234759799, ClinGen allele CA423806971.

ClinVar aggregate classification (germline): Benign/Likely benign. Review status: criteria provided, multiple submitters, no conflicts (2 of 4 stars). 3 submissions from 3 submitters: Benign (1); Likely benign (1). 1 of the submissions does not count toward it. Last evaluated 2024-12-12.

Conditions:
Dilated cardiomyopathy 1AA (CMD1AA). Also called: CARDIOMYOPATHY, DILATED, 1AA, WITH OR WITHOUT LEFT VENTRICULAR NONCOMPACTION; CARDIOMYOPATHY, FAMILIAL HYPERTROPHIC, 23, WITH OR WITHOUT LEFT VENTRICULAR NONCOMPACTION; Cardiomyopathy, dilated, 1AA, with or without LVNC. Identifiers: Orphanet 154, MedGen C2677338, MONDO:0012808, OMIM 612158.
Primary familial hypertrophic cardiomyopathy (HCM). Identifiers: Orphanet 99739, MedGen C0949658, MeSH D024741, MONDO:0024573. Inheritance: Various modes of inheritance.
ACTN2-related disorder. Also called: ACTN2 related condition; ACTN2-related disorders.
Cardiovascular phenotype. Identifiers: MedGen CN230736.

Allele frequency attached by ClinVar (database versions not stated): gnomAD exomes below 0.00001; gnomAD 0.00001; TOPMed 0.00002.
gnomAD v4.1: 3 of 1,614,064 alleles (0.00019%); highest among the groups gnomAD compares: African/African-American, 0.004%; no homozygotes.

Submissions (3):

Labcorp Genetics (formerly Invitae), Labcorp
Classification: Benign for Primary familial hypertrophic cardiomyopathy; Dilated cardiomyopathy 1AA. Last evaluated: 2024-12-12. Review status: criteria provided, single submitter. Criteria: Invitae Variant Classification Sherloc (09022015). Collection method: clinical testing. Allele origin: germline.

Ambry Genetics
Classification: Likely benign for Cardiovascular phenotype. Last evaluated: 2022-08-20. Review status: criteria provided, single submitter. Criteria: Ambry Variant Classification Scheme 2023. Collection method: clinical testing. Allele origin: germline.

PreventionGenetics, part of Exact Sciences
Classification: Likely benign for ACTN2-related condition. Last evaluated: 2023-11-01. Review status: no assertion criteria provided. Collection method: clinical testing. Allele origin: germline. Not counted in ClinVar's aggregate classification.
Comment: This variant is classified as likely benign based on ACMG/AMP sequence variant interpretation guidelines (Richards et al. 2015 PMID: 25741868, with internal and published modifications).